The following is an entry in ClinVar:

ClinVar aggregate classification (germline): Likely benign (1 of 4 stars; one submission).

Conditions:
Retinitis pigmentosa (RP). Identifiers: Orphanet 791, MedGen C0035334, MeSH D012174, MONDO:0019200, OMIM 268000. Inheritance: Autosomal dominant, autosomal recessive and X linked inheritance.

Allele frequency attached by ClinVar (database versions not stated): gnomAD exomes 0.00042; gnomAD 0.01280 and 0.01368; TOPMed 0.01451; 1000 Genomes Project 0.01458; 1000 Genomes Project 30x 0.01686.
gnomAD v4.1: 1,937 of 177,430 alleles (1.1%); highest among the groups gnomAD compares: African/African-American, 4.3%; 31 homozygotes.

Submission:

Illumina Laboratory Services, Illumina
Classification: Likely benign for Retinitis pigmentosa. Last evaluated: 2018-01-12. Review status: criteria provided, single submitter. Criteria: ICSL Variant Classification Criteria 13 December 2019. Collection method: clinical testing. Allele origin: germline.
Comment: This variant was observed in the ICSL laboratory as part of a predisposition screen in an ostensibly healthy population. It had not been previously curated by ICSL or reported in the Human Gene Mutation Database (HGMD: prior to June 1st, 2018), and was therefore a candidate for classification through an automated scoring system. Utilizing variant allele frequency, disease prevalence and penetrance estimates, and inheritance mode, an automated score was calculated to assess if this variant is too frequent to cause the disease. Based on the score and internal cut-off values, a variant classified as likely benign is not then subjected to further curation. The score for this variant resulted in a classification of likely benign for this disease.

NM_001297.5(CNGB1):c.*493C>T

Gene: CNGB1 (cyclic nucleotide gated channel subunit beta 1; minus strand). Cytogenetic location: 16q21.
Variant type: single nucleotide variant.
Coding change: c.*493C>T on transcript NM_001297.5 (MANE Select); 493 bases downstream of the stop codon, C replaced by T.
Molecular consequence: 3 prime UTR variant.
Genome position (GRCh38, 1-based): chr16:57,883,671, G>A on the plus strand (C>T on the coding strand, the complement: CNGB1 is on the minus strand). VCF-style: chr16-57883671-G-A. GRCh37 (hg19) VCF-style: chr16-57917575-G-A.
Other names: c.*493C>T (NM_001286130.2).
Identifiers: ClinVar variation 320045 (VCV000320045.5), dbSNP rs73562940, ClinGen allele CA10643993.